The following is an entry in ClinVar:

ClinVar aggregate classification (germline): Pathogenic (3 of 4 stars; one submission).

Conditions:
RPGR-related retinopathy. Also called: RPGR retinopathy. Identifiers: MedGen CN305589, MONDO:0100437.

Submission:

ClinGen X-linked Inherited Retinal Disease Variant Curation Expert Panel, ClinGen
Classification: Pathogenic for RPGR-related retinopathy. Last evaluated: 2025-09-05. Review status: reviewed by expert panel. Criteria: ClinGen X LinkedIRD ACMG Specifications RPGR V1.0.0. Collection method: curation. Allele origin: germline. Inheritance: X-linked inheritance.
Comment: NM_001034853.2(RPGR):c.373G>T (p.Glu125Ter) is a nonsense variant that introduces a premature stop in codon 125 within exon 5 of 15, which is predicted to trigger nonsense-mediated decay (PVS1). This variant is absent from gnomAD v4.1.0 (PM2_Supporting). At least one proband harboring this variant exhibits a phenotype including presentation with night blindness (0.5 pts) at age 3 years (1 pt), severely reduced visual acuity (0.5 pts), high myopia (1 pt), markedly reduced electroretinogram responses from rods, widespread retinal pigment epithelium degeneration in the fundus with mid-periphery pigment deposits (0.5 pts), optic disc pallor (0.5 pts), severe macular degeneration, and retinal vessel attenuation, with genotyping by next-generation sequencing of a panel of >300 genes identifying no alternative basis for inherited retinal disease (2 pts), which together are specific for RPGR-related retinopathy (6 points, PMID: 36276946, PP4). In summary, this variant is classified as pathogenic for RPGR-related retinopathy based on the ClinGen X-linked Inherited Retinal Disease Expert Panel Specifications to the ACMG/AMP Variant Interpretation Guidelines for RPGR Version 1.0.0; PVS1, PM2_supporting, and PP4.

NM_001034853.2(RPGR):c.373G>T (p.Glu125Ter)

Gene: RPGR (retinitis pigmentosa GTPase regulator; minus strand). Cytogenetic location: Xp11.4.
Variant type: single nucleotide variant.
Coding change: c.373G>T on transcript NM_001034853.2 (MANE Select); coding-DNA position 373, G replaced by T.
Protein change: p.Glu125Ter; replaces glutamic acid 125 with a stop codon.
Molecular consequence: nonsense. On other transcripts: non-coding transcript variant (6).
Genome position (GRCh38, 1-based): chrX:38,318,925, C>A on the plus strand (G>T on the coding strand, the complement: RPGR is on the minus strand). VCF-style: chrX-38318925-C-A. GRCh37 (hg19) VCF-style: chrX-38178178-C-A.
Other names: NM_001034853.2:c.373G>T; c.373G>T, p.Glu125Ter (NM_000328.3, NM_001367245.1, NM_001367246.1 and 3 more transcripts); c.403G>T, p.Glu135Ter (NM_001367248.1); c.370G>T, p.Glu124Ter (NM_001367249.1); short protein forms E124*, E125*, E135*.
Identifiers: ClinVar variation 4082175 (VCV004082175.1).